The following is an entry in ClinVar:

ClinVar aggregate classification (germline): Likely benign. Review status: criteria provided, multiple submitters, no conflicts (2 of 4 stars). 3 submissions from 3 submitters: Likely benign (3). Last evaluated 2026-06-01.

Conditions:
Neurofibromatosis, type 1 (NF1). Also called: VON RECKLINGHAUSEN DISEASE; NEUROFIBROMATOSIS, TYPE I, SOMATIC; Peripheral type neurofibromatosis; Neurofibromatosis, type I. Identifiers: Orphanet 636, MedGen C0027831, MONDO:0018975, OMIM 162200. Disease mechanism: loss of function.
Hereditary cancer-predisposing syndrome. Also called: Neoplastic Syndromes, Hereditary; Tumor predisposition; Hereditary neoplastic syndrome; Hereditary Cancer Syndrome. Identifiers: Orphanet 140162, MedGen C0027672, MeSH D009386, MONDO:0015356.
Cardiovascular phenotype. Identifiers: MedGen CN230736.

Allele frequency attached by ClinVar (database versions not stated): gnomAD exomes below 0.00001; ExAC 0.00001.
gnomAD v4.1: 1 of 1,614,160 alleles (0.000062%); highest among the groups gnomAD compares: Non-Finnish European, 0.000085%; no homozygotes.

Submissions (3):

CeGaT Center for Human Genetics Tuebingen
Classification: Likely benign. Last evaluated: 2026-06-01. Review status: criteria provided, single submitter. Criteria: CeGaT Center For Human Genetics Tuebingen Variant Classification Criteria Version 2. Collection method: clinical testing. Allele origin: germline. Affected: yes. Observed: 1 variant allele.
Comment: NF1: BP4, BP7

Labcorp Genetics (formerly Invitae), Labcorp
Classification: Likely benign for Neurofibromatosis, type 1. Last evaluated: 2025-11-05. Review status: criteria provided, single submitter. Criteria: Invitae Variant Classification Sherloc (09022015). Collection method: clinical testing. Allele origin: germline.

Ambry Genetics
Classification: Likely benign for Cardiovascular phenotype; Hereditary cancer-predisposing syndrome. Last evaluated: 2024-12-23. Review status: criteria provided, single submitter. Criteria: Ambry Variant Classification Scheme 2023. Collection method: clinical testing. Allele origin: germline.

NM_001042492.3(NF1):c.6525C>T (p.Val2175=)

Gene: NF1 (neurofibromin 1; plus strand). Cytogenetic location: 17q11.2.
Variant type: single nucleotide variant.
Coding change: c.6525C>T on transcript NM_001042492.3 (MANE Select); coding-DNA position 6525, C replaced by T.
Protein change: p.Val2175=; no amino-acid change (valine 2175 retained).
Molecular consequence: synonymous variant.
Genome position (GRCh38, 1-based): chr17:31,337,465, C>T. VCF-style: chr17-31337465-C-T. GRCh37 (hg19) VCF-style: chr17-29664483-C-T.
Other names: c.6462C>T, p.Val2154= (NM_000267.4).
Identifiers: ClinVar variation 1077596 (VCV001077596.11), dbSNP rs761686171, ClinGen allele CA8487362.